The following is an entry in ClinVar:

NM_001113226.3(NTNG1):c.1262A>G (p.Tyr421Cys)

Gene: NTNG1 (netrin G1; plus strand). Cytogenetic location: 1p13.3.
Variant type: single nucleotide variant.
Coding change: c.1262A>G on transcript NM_001113226.3 (MANE Select); coding-DNA position 1262, A replaced by G.
Protein change: p.Tyr421Cys; replaces tyrosine 421 with cysteine.
Molecular consequence: missense variant. On other transcripts: intron variant (6).
Genome position (GRCh38, 1-based): chr1:107,436,671, A>G. VCF-style: chr1-107436671-A-G. GRCh37 (hg19) VCF-style: chr1-107979293-A-G.
Other names: c.1160A>G, p.Tyr387Cys (NM_001312688.2); c.1094A>G, p.Tyr365Cys (NM_001372166.1); c.1262A>G, p.Tyr421Cys (NM_001372167.1, NM_001372170.1); c.1087+28963A>G (NM_014917.4, NM_001372168.1, NM_001372171.1); c.1213+15528A>G (NM_001372169.1, NM_001113228.3); c.1153+18026A>G (NM_001330665.2); short protein forms Y365C, Y387C, Y421C.
Identifiers: ClinVar variation 3067615 (VCV003067615.21), dbSNP rs2524079239, ClinGen allele CA341227775.

ClinVar aggregate classification (germline): Uncertain significance (1 of 4 stars; one submission).

Submission:

CeGaT Center for Human Genetics Tuebingen
Classification: Uncertain significance. Last evaluated: 2024-03-01. Review status: criteria provided, single submitter. Criteria: CeGaT Center For Human Genetics Tuebingen Variant Classification Criteria Version 2. Collection method: clinical testing. Allele origin: germline. Affected: yes. Observed: 1 variant allele.
Comment: NTNG1: PM2